The following is an entry in ClinVar:

NM_000384.3(APOB):c.9578T>G (p.Leu3193Arg)

Gene: APOB (apolipoprotein B; minus strand). Cytogenetic location: 2p24.1.
Variant type: single nucleotide variant.
Coding change: c.9578T>G on transcript NM_000384.3 (MANE Select); coding-DNA position 9578, T replaced by G.
Protein change: p.Leu3193Arg; replaces leucine 3193 with arginine.
Molecular consequence: missense variant.
Genome position (GRCh38, 1-based): chr2:21,007,290, A>C on the plus strand (T>G on the coding strand, the complement: APOB is on the minus strand). VCF-style: chr2-21007290-A-C. GRCh37 (hg19) VCF-style: chr2-21230162-A-C.
Other names: short protein forms L3193R.
Identifiers: ClinVar variation 3415974 (VCV003415974.1).
Genomic context (GRCh38, chr2:21,007,290, plus strand): 5'-TTTCTGTTTTTTTCAAAATGCCTGTCAAAGGATTTGATGCTCTGACTGATAAACTCACAA[A>C]GCACAGCCAAAGGATTTGTGATGGAATGCCTGTGTTTGTTTTTCTTATACTGAGCTTTTA-3'
Protein context (NP_000375.3, residues 3183-3203): RHSITNPLAV[Leu3193Arg]CEFISQSIKS

ClinVar aggregate classification (germline): Uncertain significance (1 of 4 stars; one submission).

Conditions:
Cardiovascular phenotype. Identifiers: MedGen CN230736.

gnomAD v4.1: 1 of 1,613,794 alleles (0.000062%); highest among the groups gnomAD compares: Non-Finnish European, 0.000085%; no homozygotes.

Submission:

Ambry Genetics
Classification: Uncertain significance for Cardiovascular phenotype. Last evaluated: 2024-09-05. Review status: criteria provided, single submitter. Criteria: Ambry Variant Classification Scheme 2023. Collection method: clinical testing. Allele origin: germline.
Comment: The p.L3193R variant (also known as c.9578T>G), located in coding exon 26 of the APOB gene, results from a T to G substitution at nucleotide position 9578. The leucine at codon 3193 is replaced by arginine, an amino acid with dissimilar properties. This amino acid position is conserved. In addition, this alteration is predicted to be tolerated by in silico analysis. Based on the available evidence, the clinical significance of this variant remains unclear.